The following is an entry in ClinVar:

NM_001257096.2(PAX1):c.197_198insAGG (p.Gly66_Ala67insGly)

Gene: PAX1 (paired box 1; plus strand). Cytogenetic location: 20p11.22.
Variant type: Insertion.
Coding change: c.197_198insAGG on transcript NM_001257096.2 (MANE Select); coding-DNA positions 197 to 198, AGG inserted.
Protein change: p.Gly66_Ala67insGly.
Molecular consequence: inframe insertion.
Genome position: GRCh38 VCF-style: chr20-21705907-C-CGGA. GRCh37 (hg19) VCF-style: chr20-21686545-C-CGGA.
Other names: c.197_198insAGG, p.Gly66_Ala67insGly (NM_006192.5).
Identifiers: ClinVar variation 5006361 (VCV005006361.2).
Genomic context (GRCh38, chr20:21,705,907, plus strand): 5'-GGGCCGCCGCGGCTCTCGGCTCTCGGGCGCCCTCCCTCTATGCCTCTCACGCGGCGGCGG[C>CGGA]GGCGCCCAAGCTCTCCCGGACTGCGCCGGGCCCAGCCCCGGCCACCCCGGCCACCCCGGC-3'

ClinVar aggregate classification (germline): Uncertain significance (1 of 4 stars; one submission).

Conditions:
Otofaciocervical syndrome 2 (OTFCS2). Also called: OTOFACIOCERVICAL SYNDROME 2, WITH T-CELL DEFICIENCY. Identifiers: MedGen C5442121, MONDO:0014254, OMIM 615560.

Submission:

Juno Genomics, Hangzhou Juno Genomics, Inc
Classification: Uncertain significance for Otofaciocervical syndrome 2. Review status: criteria provided, single submitter. Criteria: ACMG Guidelines, 2015. Collection method: clinical testing. Allele origin: germline.
Comment: Absent from controls (or at extremely low frequency if recessive) in Genome Aggregation Database.;Protein length changes due to in-frame deletions/insertions in a non-repeat region or stop-loss variants.